The following is an entry in ClinVar:

ClinVar aggregate classification (germline): Benign/Likely benign. Review status: criteria provided, multiple submitters, no conflicts (2 of 4 stars). 5 submissions from 5 submitters: Benign (3); Likely benign (1). 1 of the submissions does not count toward it. Last evaluated 2026-01-19.

Conditions:
Hajdu-Cheney syndrome (HJCYS). Also called: SERPENTINE FIBULA-POLYCYSTIC KIDNEY SYNDROME; ACROOSTEOLYSIS WITH OSTEOPOROSIS AND CHANGES IN SKULL AND MANDIBLE; Acroosteolysis dominant type. Identifiers: Orphanet 955, MedGen C0917715, MONDO:0007057, OMIM 102500.

Allele frequency attached by ClinVar (database versions not stated): 1000 Genomes Project 0.00559; gnomAD 0.00090 and 0.00036; gnomAD exomes 0.00144 and 0.00169; ExAC 0.00161; 1000 Genomes Project 30x 0.00437; TOPMed 0.00059.
gnomAD v4.1: 2,546 of 1,614,178 alleles (0.16%); highest among the groups gnomAD compares: East Asian, 5.2%; 103 homozygotes.

Submissions (5):

Labcorp Genetics (formerly Invitae), Labcorp
Classification: Benign for Hajdu-Cheney syndrome. Last evaluated: 2026-01-19. Review status: criteria provided, single submitter. Criteria: Invitae Variant Classification Sherloc (09022015). Collection method: clinical testing. Allele origin: germline.

Blueprint Genetics
Classification: Likely benign. Last evaluated: 2024-06-11. Review status: criteria provided, single submitter. Criteria: ACMG Guidelines, 2015. Collection method: clinical testing. Allele origin: germline.

CeGaT Center for Human Genetics Tuebingen
Classification: Benign. Last evaluated: 2023-02-01. Review status: criteria provided, single submitter. Criteria: CeGaT Center For Human Genetics Tuebingen Variant Classification Criteria Version 2. Collection method: clinical testing. Allele origin: germline. Affected: yes. Observed: 1 variant allele.
Comment: NOTCH2: PP2, BP4, BS1, BS2

Breakthrough Genomics
Classification: Benign. Review status: criteria provided, single submitter. Criteria: ACMG Guidelines, 2015. Collection method: not provided. Allele origin: germline. Inheritance: Autosomal dominant inheritance. Affected: yes.

ITMI
No classification provided. Condition: AllHighlyPenetrant. Last evaluated: 2013-09-19. Review status: no classification provided. Collection method: reference population. Allele origin: germline. Not counted in ClinVar's aggregate classification.
Comment: Please see associated publication for description of ethnicities

Literature cited by the submitters: PubMed 24728327 (cited by ITMI).

NM_024408.4(NOTCH2):c.3779G>A (p.Arg1260His)

Gene: NOTCH2 (notch receptor 2; minus strand). Cytogenetic location: 1p12.
Variant type: single nucleotide variant.
Coding change: c.3779G>A on transcript NM_024408.4 (MANE Select); coding-DNA position 3779, G replaced by A.
Protein change: p.Arg1260His; replaces arginine 1260 with histidine.
Molecular consequence: missense variant.
Genome position (GRCh38, 1-based): chr1:119,929,089, C>T on the plus strand (G>A on the coding strand, the complement: NOTCH2 is on the minus strand). VCF-style: chr1-119929089-C-T. GRCh37 (hg19) VCF-style: chr1-120471712-C-T.
Other names: short protein forms R1260H.
Identifiers: ClinVar variation 134971 (VCV000134971.42), dbSNP rs75423398, ClinGen allele CA161269.
Genomic context (GRCh38, chr1:119,929,089, plus strand): 5'-TCCAGGCTGCCCTCAGAGCTGCAGGGGTTGGAGAGGCACTCGTTGATGTCTCCCTCACAA[C>T]GCTCCCCAGCAAAGCCAGGCAAGCAGCGACAACTGTAGCCTCCAATCCTATCCATGCACT-3'
Protein context (NP_077719.2, residues 1250-1270): CRCLPGFAGE[Arg1260His]CEGDINECLS